The following is an entry in ClinVar:

NM_001130438.3(SPTAN1):c.3623T>C (p.Ile1208Thr)

Gene: SPTAN1 (spectrin alpha, non-erythrocytic 1; plus strand). Cytogenetic location: 9q34.11.
Variant type: single nucleotide variant.
Coding change: c.3623T>C on transcript NM_001130438.3 (MANE Select); coding-DNA position 3623, T replaced by C.
Protein change: p.Ile1208Thr; replaces isoleucine 1208 with threonine.
Molecular consequence: missense variant.
Genome position (GRCh38, 1-based): chr9:128,603,586, T>C. VCF-style: chr9-128603586-T-C. GRCh37 (hg19) VCF-style: chr9-131365865-T-C.
Other names: c.3563T>C, p.Ile1188Thr (NM_001195532.2, NM_001363765.2, NM_001375314.2); c.3623T>C, p.Ile1208Thr (NM_001363759.2, NM_001375310.1, NM_001375311.2 and 2 more transcripts); c.3659T>C, p.Ile1220Thr (NM_001375312.2, NM_001375318.1); short protein forms I1220T, I1188T, I1208T.
Identifiers: ClinVar variation 2777440 (VCV002777440.3), dbSNP rs2541640104, ClinGen allele CA375063046.

ClinVar aggregate classification (germline): Uncertain significance (1 of 4 stars; one submission).

Conditions:
Early-infantile DEE. Also called: Ohtahara syndrome; Early infantile epileptic encephalopathy; Early infantile epileptic encephalopathy with suppression bursts. Identifiers: Orphanet 1934, MedGen C0393706, MONDO:0800491.

Submission:

Labcorp Genetics (formerly Invitae), Labcorp
Classification: Uncertain significance for Early-infantile DEE. Last evaluated: 2023-03-17. Review status: criteria provided, single submitter. Criteria: Invitae Variant Classification Sherloc (09022015). Collection method: clinical testing. Allele origin: germline.
Comment: In summary, the available evidence is currently insufficient to determine the role of this variant in disease. Therefore, it has been classified as a Variant of Uncertain Significance. Advanced modeling of protein sequence and biophysical properties (such as structural, functional, and spatial information, amino acid conservation, physicochemical variation, residue mobility, and thermodynamic stability) has been performed at Invitae for this missense variant, however the output from this modeling did not meet the statistical confidence thresholds required to predict the impact of this variant on SPTAN1 protein function. This variant has not been reported in the literature in individuals affected with SPTAN1-related conditions. This variant is not present in population databases (gnomAD no frequency). This sequence change replaces isoleucine, which is neutral and non-polar, with threonine, which is neutral and polar, at codon 1208 of the SPTAN1 protein (p.Ile1208Thr).